The following is an entry in ClinVar:

ClinVar aggregate classification (germline): Pathogenic. Review status: criteria provided, single submitter (1 of 4 stars). 2 submissions from 2 submitters: Pathogenic (1). 1 of the submissions does not count toward it. Last evaluated 2023-11-22.

Conditions:
Hereditary cancer-predisposing syndrome. Also called: Neoplastic Syndromes, Hereditary; Tumor predisposition; Hereditary neoplastic syndrome; Hereditary Cancer Syndrome. Identifiers: Orphanet 140162, MedGen C0027672, MeSH D009386, MONDO:0015356.
Hereditary breast ovarian cancer syndrome. Also called: Hereditary breast and ovarian cancer syndrome (HBOC); Breast and ovarian cancer; Hereditary breast and/or ovarian cancer syndrome; BRCA1- and BRCA2-Associated Hereditary Breast and Ovarian Cancer; Hereditary breast and ovarian cancer syndrome; Hereditary breast and ovarian cancer. Identifiers: Orphanet 145, MedGen C0677776, MeSH D061325, MONDO:0003582. Disease mechanism: loss of function.

Submissions (2):

Ambry Genetics
Classification: Pathogenic for Hereditary cancer-predisposing syndrome. Last evaluated: 2023-11-22. Review status: criteria provided, single submitter. Criteria: Ambry Variant Classification Scheme 2023. Collection method: clinical testing. Allele origin: germline.
Comment: The c.463dupC pathogenic mutation, located in coding exon 6 of the BRCA1 gene, results from a duplication of C at nucleotide position 463, causing a translational frameshift with a predicted alternate stop codon (p.Q155Pfs*4). This alteration is expected to result in loss of function by premature protein truncation or nonsense-mediated mRNA decay. As such, this alteration is interpreted as a disease-causing mutation.

Department of Medical Laboratory Technology, Erbil Technical Health and Medical College, Erbil Polytechnic University
Classification: Pathogenic for Hereditary breast ovarian cancer syndrome. Last evaluated: 2023-08-01. Review status: no assertion criteria provided. Collection method: research. Allele origin: germline. Affected: yes. Observed: 2 variant alleles. Not counted in ClinVar's aggregate classification.
Comment: The variant detected twice in two female that diagnosed with breast cancer. According to the MutationTaster (c.463dupC) change is Deleterious mutation, located in coding exon 6 of the BRCA1 gene, results from a duplication of C at nucleotide position 463, causing a translational frameshift with a predicted alternate stop codon (p.Q155Pfs*4). This alteration is expected to result in loss of function by premature protein truncation or nonsense-mediated mRNA decay. This alteration is interpreted as a disease-causing mutation that considered as (Pathogenic). This variant has not been reported in a large scale population database

NM_007294.4(BRCA1):c.463dup (p.Gln155fs)

Gene: BRCA1 (BRCA1 DNA repair associated; minus strand). Cytogenetic location: 17q21.31.
Variant type: Duplication.
Coding change: c.463dup on transcript NM_007294.4 (MANE Select); coding-DNA position 463, one base duplicated (C; older notation c.463dupC).
Protein change: p.Gln155fs; shifts the reading frame from glutamine 155.
Molecular consequence: frameshift variant. On other transcripts: intron variant (2).
Genome position (GRCh38, 1-based): chr17:43,099,859, G duplicated on the plus strand (C on the coding strand, the reverse complement: BRCA1 is on the minus strand); the first of 2 consecutive G bases (chr17:43,099,859-43,099,860); duplicating either gives the same sequence. VCF-style (leftmost placement, unchanged base first): chr17-43099858-T-TG. GRCh37 (hg19) VCF-style: chr17-41251875-T-TG.
Other names: c.463dup, p.Gln155fs (NM_001407979.1, NM_001407980.1, NM_001407981.1 and 96 more transcripts); c.460dup, p.Gln154fs (NM_001407984.1, NM_001407985.1, NM_001407986.1 and 65 more transcripts); c.454dup, p.Gln152fs (NM_001408408.1, NM_001407646.1, NM_001407647.1); c.385dup, p.Gln129fs (NM_001408409.1, NM_001408411.1, NM_001408412.1 and 12 more transcripts); c.322dup, p.Gln108fs (NM_001408410.1, NM_001408452.1, NM_001408453.1 and 61 more transcripts); c.382dup, p.Gln128fs (NM_001408413.1, NM_001408416.1, NM_001408475.1 and 6 more transcripts); c.328dup, p.Gln110fs (NM_001408451.1); c.319dup, p.Gln107fs (NM_001408462.1, NM_001408463.1, NM_001408464.1 and 35 more transcripts); and 7 more; short protein forms Q107fs, Q108fs, Q110fs, Q128fs, Q129fs, Q152fs, Q154fs, Q155fs.
Identifiers: ClinVar variation 3226160 (VCV003226160.2), dbSNP rs2552240430, ClinGen allele CA2825002525.
Genomic context (GRCh38, chr17:43,099,858, plus strand): 5'-TTTTGAGGTTGTATCCGCTGCTTTGTCCTCAGAGTTCTCACAGTTCCAAGGTTAGAGAGT[T>TG]GGACACTGAGACTGGTTTCCTGCTAAACAGTATGGTAAAGAACAGTCAAGCAATTGTTGG-3'